The following is an entry in ClinVar:

ClinVar aggregate classification (germline): Uncertain significance. Review status: criteria provided, multiple submitters, no conflicts (2 of 4 stars). 2 submissions from 2 submitters: Uncertain significance (2). Last evaluated 2025-08-29.

Conditions:
Hereditary cancer-predisposing syndrome. Also called: Hereditary neoplastic syndrome; Neoplastic Syndromes, Hereditary; Tumor predisposition; Hereditary Cancer Syndrome. Identifiers: Orphanet 140162, MedGen C0027672, MeSH D009386, MONDO:0015356.

Submissions (2):

Ambry Genetics
Classification: Uncertain significance for Hereditary cancer-predisposing syndrome. Last evaluated: 2025-08-29. Review status: criteria provided, single submitter. Criteria: Ambry Variant Classification Scheme 2023. Collection method: clinical testing. Allele origin: germline.

Labcorp Genetics (formerly Invitae), Labcorp
Classification: Uncertain significance. Last evaluated: 2024-02-19. Review status: criteria provided, single submitter. Criteria: Invitae Variant Classification Sherloc (09022015). Collection method: clinical testing. Allele origin: germline.
Comment: This sequence change replaces arginine, which is basic and polar, with glycine, which is neutral and non-polar, at codon 1634 of the POLE protein (p.Arg1634Gly). This variant is not present in population databases (gnomAD no frequency). This variant has not been reported in the literature in individuals affected with POLE-related conditions. ClinVar contains an entry for this variant (Variation ID: 1512061). Advanced modeling of protein sequence and biophysical properties (such as structural, functional, and spatial information, amino acid conservation, physicochemical variation, residue mobility, and thermodynamic stability) performed at Invitae indicates that this missense variant is not expected to disrupt POLE protein function with a negative predictive value of 80%. In summary, the available evidence is currently insufficient to determine the role of this variant in disease. Therefore, it has been classified as a Variant of Uncertain Significance.

NM_006231.4(POLE):c.4900C>G (p.Arg1634Gly)

Gene: POLE (DNA polymerase epsilon, catalytic subunit; minus strand). Cytogenetic location: 12q24.33.
Variant type: single nucleotide variant.
Coding change: c.4900C>G on transcript NM_006231.4 (MANE Select); coding-DNA position 4900, C replaced by G.
Protein change: p.Arg1634Gly; replaces arginine 1634 with glycine.
Molecular consequence: missense variant.
Genome position (GRCh38, 1-based): chr12:132,642,558, G>C on the plus strand (C>G on the coding strand, the complement: POLE is on the minus strand). VCF-style: chr12-132642558-G-C. GRCh37 (hg19) VCF-style: chr12-133219144-G-C.
Other names: short protein forms R1634G.
Identifiers: ClinVar variation 1512061 (VCV001512061.11), dbSNP rs769762523, ClinGen allele CA387377976.